The following is an entry in ClinVar:

ClinVar aggregate classification (germline): Uncertain significance (1 of 4 stars; one submission).

Submission:

GeneDx
Classification: Uncertain significance. Last evaluated: 2025-07-07. Review status: criteria provided, single submitter. Criteria: GeneDx Variant Classification Process June 2021. Collection method: clinical testing. Allele origin: germline. Affected: yes.
Comment: Not observed at significant frequency in large population cohorts (gnomAD); In silico analysis supports that this missense variant has a deleterious effect on protein structure/function; Has not been previously published as pathogenic or benign to our knowledge

NM_000258.3(MYL3):c.186C>A (p.Asp62Glu)

Gene: MYL3 (myosin light chain 3; minus strand). Cytogenetic location: 3p21.31.
Variant type: single nucleotide variant.
Coding change: c.186C>A on transcript NM_000258.3 (MANE Select); coding-DNA position 186, C replaced by A.
Protein change: p.Asp62Glu; replaces aspartic acid 62 with glutamic acid.
Molecular consequence: missense variant.
Genome position (GRCh38, 1-based): chr3:46,860,797, G>T on the plus strand (C>A on the coding strand, the complement: MYL3 is on the minus strand). VCF-style: chr3-46860797-G-T. GRCh37 (hg19) VCF-style: chr3-46902287-G-T.
Other names: c.186C>A, p.Asp62Glu (NM_001406937.1, NM_001406938.1, NM_001406939.1); c.12C>A, p.Asp4Glu (NM_001406940.1, NM_001406941.1); short protein forms D4E, D62E.
Identifiers: ClinVar variation 4685276 (VCV004685276.1).